The following is an entry in ClinVar:

NM_001846.4(COL4A2):c.726+4A>G

Gene: COL4A2 (collagen type IV alpha 2 chain; plus strand). Cytogenetic location: 13q34.
Variant type: single nucleotide variant.
Coding change: c.726+4A>G on transcript NM_001846.4 (MANE Select); 4 bases into the intron after coding-DNA position 726, A replaced by G.
Molecular consequence: intron variant.
Genome position (GRCh38, 1-based): chr13:110,434,446, A>G. VCF-style: chr13-110434446-A-G. GRCh37 (hg19) VCF-style: chr13-111086793-A-G.
Identifiers: ClinVar variation 1686584 (VCV001686584.6), dbSNP rs2139462568, ClinGen allele CA2573149454.

ClinVar aggregate classification (germline): Uncertain significance. Review status: criteria provided, multiple submitters, no conflicts (2 of 4 stars). 2 submissions from 2 submitters: Uncertain significance (2). Last evaluated 2022-12-07.

Submissions (2):

Labcorp Genetics (formerly Invitae), Labcorp
Classification: Uncertain significance. Last evaluated: 2022-12-07. Review status: criteria provided, single submitter. Criteria: Invitae Variant Classification Sherloc (09022015). Collection method: clinical testing. Allele origin: germline.
Comment: In summary, the available evidence is currently insufficient to determine the role of this variant in disease. Therefore, it has been classified as a Variant of Uncertain Significance. Variants that disrupt the consensus splice site are a relatively common cause of aberrant splicing (PMID: 17576681, 9536098). Algorithms developed to predict the effect of sequence changes on RNA splicing suggest that this variant may disrupt the consensus splice site. ClinVar contains an entry for this variant (Variation ID: 1686584). This variant has not been reported in the literature in individuals affected with COL4A2-related conditions. This variant is not present in population databases (gnomAD no frequency). This sequence change falls in intron 12 of the COL4A2 gene. It does not directly change the encoded amino acid sequence of the COL4A2 protein. It affects a nucleotide within the consensus splice site.

Mendelics
Classification: Uncertain significance. Last evaluated: 2022-05-04. Review status: criteria provided, single submitter. Criteria: Mendelics Assertion Criteria 2019. Collection method: clinical testing. Allele origin: germline.

Literature cited by the submitters: PubMed 17576681 (cited by Labcorp Genetics (formerly Invitae), Labcorp); PubMed 9536098 (cited by Labcorp Genetics (formerly Invitae), Labcorp).